The following is an entry in ClinVar:

ClinVar aggregate classification (germline): Uncertain significance (1 of 4 stars; one submission).

Submission:

Quest Diagnostics Nichols Institute San Juan Capistrano
Classification: Uncertain significance. Last evaluated: 2023-01-02. Review status: criteria provided, single submitter. Criteria: Quest Diagnostics criteria. Collection method: clinical testing. Allele origin: unknown.
Comment: This variant has not been reported in the published literature. It also has not been reported in large, multi-ethnic general populations. Analysis of this variant using bioinformatics tools for the prediction of the effect of amino acid changes on protein structure and function yielded conflicting predictions that this variant is benign or damaging. Based on the available information, we are unable to determine the clinical significance of this variant.

NM_005431.2(XRCC2):c.290A>G (p.Glu97Gly)

Gene: XRCC2 (X-ray repair cross complementing 2; minus strand). Cytogenetic location: 7q36.1.
Variant type: single nucleotide variant.
Coding change: c.290A>G on transcript NM_005431.2 (MANE Select); coding-DNA position 290, A replaced by G.
Protein change: p.Glu97Gly; replaces glutamic acid 97 with glycine.
Molecular consequence: missense variant.
Genome position (GRCh38, 1-based): chr7:152,649,195, T>C on the plus strand (A>G on the coding strand, the complement: XRCC2 is on the minus strand). VCF-style: chr7-152649195-T-C. GRCh37 (hg19) VCF-style: chr7-152346280-T-C.
Other names: short protein forms E97G.
Identifiers: ClinVar variation 2682134 (VCV002682134.1), dbSNP rs1563026208, ClinGen allele CA370199028.
Genomic context (GRCh38, chr7:152,649,195, plus strand): 5'-AAAAAAAATCTTCCCAGGCAGTATTTGATTATTTCTTCAGAGCTTTGGGATAGTCTGTGC[T>C]CAAGAATTGTAACTAGCCGGAGCATATCAAAGTGGTAATCTGTATCAATAAATAAGACTT-3'
Protein context (NP_005422.1, residues 87-107): FDMLRLVTIL[Glu97Gly]HRLSQSSEEI